The following is an entry in ClinVar:

ClinVar aggregate classification (germline): Uncertain significance (1 of 4 stars; one submission).

Conditions:
Malignant hyperthermia, susceptibility to, 1 (MHS1). Also called: RYR1-Related Malignant Hyperthermia Susceptibility; Malignant hyperthermia suceptibility 1; Anesthesia related hyperthermia; Malignant hyperpyrexia; Fulminating hyperpyrexia; Pharmacogenic myopathy. Identifiers: Orphanet 423, MedGen C2930980, MONDO:0007783, OMIM 145600.

Submission:

Color Diagnostics, LLC DBA Color Health
Classification: Uncertain significance for Malignant hyperthermia, susceptibility to, 1. Last evaluated: 2025-07-14. Review status: criteria provided, single submitter. Criteria: ACMG Guidelines, 2015. Collection method: clinical testing. Allele origin: germline.
Comment: This variant causes an A to G nucleotide substitution at the +3 position of intron 96/105 of the RYR1 gene. To our knowledge, functional studies have not been reported for this variant. This variant has not been reported in individuals affected with RYR1-related disorders in the literature. This variant has been identified in 1/249276 chromosomes in the general population by the Genome Aggregation Database (gnomAD). The available evidence is insufficient to determine the role of this variant in disease conclusively. Therefore, this variant is classified as a Variant of Uncertain Significance.

NM_000540.3(RYR1):c.14129+3A>G

Gene: RYR1 (ryanodine receptor 1; plus strand). Cytogenetic location: 19q13.2.
Variant type: single nucleotide variant.
Coding change: c.14129+3A>G on transcript NM_000540.3 (MANE Select); 3 bases into the intron after coding-DNA position 14129, A replaced by G.
Molecular consequence: intron variant.
Genome position (GRCh38, 1-based): chr19:38,573,310, A>G. VCF-style: chr19-38573310-A-G. GRCh37 (hg19) VCF-style: chr19-39063950-A-G.
Other names: c.14114+3A>G (NM_001042723.2).
Identifiers: ClinVar variation 4758863 (VCV004758863.1).